The following is an entry in ClinVar:

ClinVar aggregate classification (germline): Conflicting classifications of pathogenicity. Review status: criteria provided, conflicting classifications (1 of 4 stars). 3 submissions from 3 submitters: Uncertain significance (2); Likely benign (1). Last evaluated 2025-05-14.

Conditions:
Inborn genetic diseases. Identifiers: MedGen C0950123, MeSH D030342.

gnomAD v4.1: 32 of 1,613,854 alleles (0.002%); highest among the groups gnomAD compares: African/African-American, 0.0067%; no homozygotes.

Submissions (3):

GeneDx
Classification: Uncertain significance. Last evaluated: 2025-05-14. Review status: criteria provided, single submitter. Criteria: GeneDx Variant Classification Process June 2021. Collection method: clinical testing. Allele origin: germline. Affected: yes.
Comment: In silico analysis suggests that this missense variant does not alter protein structure/function; Has not been previously published as pathogenic or benign to our knowledge

Ambry Genetics
Classification: Uncertain significance for Inborn genetic diseases. Last evaluated: 2025-01-10. Review status: criteria provided, single submitter. Criteria: Ambry Variant Classification Scheme 2023. Collection method: clinical testing. Allele origin: germline.

Labcorp Genetics (formerly Invitae), Labcorp
Classification: Likely benign. Last evaluated: 2023-04-08. Review status: criteria provided, single submitter. Criteria: Invitae Variant Classification Sherloc (09022015). Collection method: clinical testing. Allele origin: germline.

NM_032119.4(ADGRV1):c.15505A>G (p.Ile5169Val)

Gene: ADGRV1 (adhesion G protein-coupled receptor V1; plus strand). Cytogenetic location: 5q14.3.
Variant type: single nucleotide variant.
Coding change: c.15505A>G on transcript NM_032119.4 (MANE Select); coding-DNA position 15505, A replaced by G.
Protein change: p.Ile5169Val; replaces isoleucine 5169 with valine.
Molecular consequence: missense variant. On other transcripts: non-coding transcript variant (1).
Genome position (GRCh38, 1-based): chr5:90,810,765, A>G. VCF-style: chr5-90810765-A-G. GRCh37 (hg19) VCF-style: chr5-90106582-A-G.
Other names: c.15505A>G (NM_032119.3); short protein forms I5169V.
Identifiers: ClinVar variation 1911669 (VCV001911669.7), dbSNP rs770347536, ClinGen allele CA122821802.
Genomic context (GRCh38, chr5:90,810,765, plus strand): 5'-ACTCTCATTCCTGTAGAAACTGAATCCACCACATACCTCAGCACAAGCAAGACGACTACC[A>G]TTCTGCAGCCAACCAACGTGGTTGCCATTGTTACTGAGGCAACTGGTGTATCTGCCATCC-3'
Protein context (NP_115495.3, residues 5159-5179): TYLSTSKTTT[Ile5169Val]LQPTNVVAIV